The following is an entry in ClinVar:

ClinVar aggregate classification (germline): Uncertain significance (0 of 4 stars; one submission).

Conditions:
NCOA1-related disorder. Also called: NCOA1-related condition.

gnomAD v4.1: 4 of 1,614,196 alleles (0.00025%); highest among the groups gnomAD compares: Non-Finnish European, 0.00017%; no homozygotes.

Submission:

PreventionGenetics, part of Exact Sciences
Classification: Uncertain significance for NCOA1-related condition. Last evaluated: 2024-02-05. Review status: no assertion criteria provided. Collection method: clinical testing. Allele origin: germline.
Comment: The NCOA1 c.2102A>G variant is predicted to result in the amino acid substitution p.Asp701Gly. To our knowledge, this variant has not been reported in the literature. This variant is reported in 0.00088% of alleles in individuals of European (Non-Finnish) descent in gnomAD. At this time, the clinical significance of this variant is uncertain due to the absence of conclusive functional and genetic evidence.

NM_003743.5(NCOA1):c.2102A>G (p.Asp701Gly)

Gene: NCOA1 (nuclear receptor coactivator 1; plus strand). Cytogenetic location: 2p23.3.
Variant type: single nucleotide variant.
Coding change: c.2102A>G on transcript NM_003743.5 (MANE Select); coding-DNA position 2102, A replaced by G.
Protein change: p.Asp701Gly; replaces aspartic acid 701 with glycine.
Molecular consequence: missense variant.
Genome position (GRCh38, 1-based): chr2:24,707,572, A>G. VCF-style: chr2-24707572-A-G. GRCh37 (hg19) VCF-style: chr2-24930441-A-G.
Other names: c.2102A>G, p.Asp701Gly (NM_001362950.1, NM_001362952.1, NM_001362954.1 and 3 more transcripts); short protein forms D701G.
Identifiers: ClinVar variation 3356653 (VCV003356653.1).